The following is an entry in ClinVar:

ClinVar aggregate classification (germline): Uncertain significance. Review status: criteria provided, multiple submitters, no conflicts (2 of 4 stars). 2 submissions from 2 submitters: Uncertain significance (2). Last evaluated 2025-01-17.

Conditions:
Inborn genetic diseases. Identifiers: MedGen C0950123, MeSH D030342.

Submissions (2):

Ambry Genetics
Classification: Uncertain significance for Inborn genetic diseases. Last evaluated: 2025-01-17. Review status: criteria provided, single submitter. Criteria: Ambry Variant Classification Scheme 2023. Collection method: clinical testing. Allele origin: germline.

Labcorp Genetics (formerly Invitae), Labcorp
Classification: Uncertain significance. Last evaluated: 2024-12-10. Review status: criteria provided, single submitter. Criteria: Invitae Variant Classification Sherloc (09022015). Collection method: clinical testing. Allele origin: germline.
Comment: This sequence change replaces valine, which is neutral and non-polar, with methionine, which is neutral and non-polar, at codon 206 of the PTH1R protein (p.Val206Met). This variant is not present in population databases (gnomAD no frequency). This variant has not been reported in the literature in individuals affected with PTH1R-related conditions. Invitae Evidence Modeling of protein sequence and biophysical properties (such as structural, functional, and spatial information, amino acid conservation, physicochemical variation, residue mobility, and thermodynamic stability) indicates that this missense variant is not expected to disrupt PTH1R protein function with a negative predictive value of 80%. In summary, the available evidence is currently insufficient to determine the role of this variant in disease. Therefore, it has been classified as a Variant of Uncertain Significance.

NM_000316.3(PTH1R):c.616G>A (p.Val206Met)

Gene: PTH1R (parathyroid hormone 1 receptor; plus strand). Cytogenetic location: 3p21.31.
Variant type: single nucleotide variant.
Coding change: c.616G>A on transcript NM_000316.3 (MANE Select); coding-DNA position 616, G replaced by A.
Protein change: p.Val206Met; replaces valine 206 with methionine.
Molecular consequence: missense variant.
Genome position (GRCh38, 1-based): chr3:46,898,450, G>A. VCF-style: chr3-46898450-G-A. GRCh37 (hg19) VCF-style: chr3-46939940-G-A.
Other names: c.616G>A (NM_000316.2); c.616G>A, p.Val206Met (NM_001184744.1); short protein forms V206M.
Identifiers: ClinVar variation 3681015 (VCV003681015.3).